The following is an entry in ClinVar:

ClinVar aggregate classification (germline): Benign/Likely benign. Review status: criteria provided, multiple submitters, no conflicts (2 of 4 stars). 2 submissions from 2 submitters: Benign (1); Likely benign (1). Last evaluated 2024-04-30.

Conditions:
Ataxia-telangiectasia syndrome (AT). Also called: Ataxia telangiectasia (A-T); Cerebello-oculocutaneous telangiectasia; Immunodeficiency with ataxia telangiectasia; LOUIS-BAR SYNDROME; ATAXIA-TELANGIECTASIA, FRESNO VARIANT; Ataxia-telangiectasia, complementation group D. Identifiers: Orphanet 100, MedGen C0004135, MONDO:0008840, OMIM 208900.
Familial cancer of breast. Also called: Hereditary breast cancer; BREAST CANCER, FAMILIAL; hereditary breast carcinoma. Identifiers: Orphanet 227535, MedGen C0346153, MONDO:0016419, OMIM 114480. Disease mechanism: loss of function.

Submissions (2):

Myriad Genetics, Inc.
Classification: Benign for Familial cancer of breast. Last evaluated: 2024-04-30. Review status: criteria provided, single submitter. Criteria: Myriad Autosomal Dominant, Autosomal Recessive and X-Linked Classification Criteria (2023). Collection method: clinical testing. Allele origin: unknown.
Comment: This variant is considered benign. This variant is a silent/synonymous amino acid change and it is not expected to impact splicing.

Labcorp Genetics (formerly Invitae), Labcorp
Classification: Likely benign for Ataxia-telangiectasia syndrome. Last evaluated: 2018-04-17. Review status: criteria provided, single submitter. Criteria: Invitae Variant Classification Sherloc (09022015). Collection method: clinical testing. Allele origin: germline.

NM_000051.4(ATM):c.1605A>T (p.Ser535=)

Gene: ATM (ATM serine/threonine kinase; plus strand). Cytogenetic location: 11q22.3.
Variant type: single nucleotide variant.
Coding change: c.1605A>T on transcript NM_000051.4 (MANE Select); coding-DNA position 1605, A replaced by T.
Protein change: p.Ser535=; no amino-acid change (serine 535 retained).
Molecular consequence: synonymous variant.
Genome position (GRCh38, 1-based): chr11:108,251,070, A>T. VCF-style: chr11-108251070-A-T. GRCh37 (hg19) VCF-style: chr11-108121797-A-T.
Other names: c.1605A>T, p.Ser535= (NM_001351834.2).
Identifiers: ClinVar variation 758370 (VCV000758370.10), dbSNP rs1060504290, ClinGen allele CA476744956.